The following is an entry in ClinVar:

ClinVar aggregate classification (germline): Uncertain significance (1 of 4 stars; one submission).

Conditions:
Inborn genetic diseases. Identifiers: MedGen C0950123, MeSH D030342.

gnomAD v4.1: 3 of 1,613,826 alleles (0.00019%); highest among the groups gnomAD compares: African/African-American, 0.004%; no homozygotes.

Submission:

Ambry Genetics
Classification: Uncertain significance for Inborn genetic diseases. Last evaluated: 2025-02-06. Review status: criteria provided, single submitter. Criteria: Ambry Variant Classification Scheme 2023. Collection method: clinical testing. Allele origin: germline.
Comment: The p.T127A variant (also known as c.379A>G), located in coding exon 3 of the G6PC3 gene, results from an A to G substitution at nucleotide position 379. The threonine at codon 127 is replaced by alanine, an amino acid with similar properties. This amino acid position is conserved. In addition, this alteration is predicted to be tolerated by in silico analysis. Based on the available evidence, the clinical significance of this variant remains unclear.

NM_138387.4(G6PC3):c.379A>G (p.Thr127Ala)

Gene: G6PC3 (glucose-6-phosphatase catalytic subunit 3; plus strand). Cytogenetic location: 17q21.31.
Variant type: single nucleotide variant.
Coding change: c.379A>G on transcript NM_138387.4 (MANE Select); coding-DNA position 379, A replaced by G.
Protein change: p.Thr127Ala; replaces threonine 127 with alanine.
Molecular consequence: missense variant.
Genome position (GRCh38, 1-based): chr17:44,074,733, A>G. VCF-style: chr17-44074733-A-G. GRCh37 (hg19) VCF-style: chr17-42152101-A-G.
Other names: c.379A>G, p.Thr127Ala (NM_001319945.2); c.34A>G, p.Thr12Ala (NM_001384165.1, NM_001384166.1, NM_001384167.1 and 1 more transcripts); short protein forms T12A, T127A.
Identifiers: ClinVar variation 3852363 (VCV003852363.1).